The following is an entry in ClinVar:

ClinVar aggregate classification (germline): Uncertain significance (1 of 4 stars; one submission).

Conditions:
Sitosterolemia (STSL). Also called: PHYTOSTEROLEMIA. Identifiers: Orphanet 2882, MedGen C0342907, MONDO:0008863.

Allele frequency attached by ClinVar (database versions not stated): TOPMed 0.00003.
gnomAD v4.1: 1 of 1,614,044 alleles (0.000062%); highest among the groups gnomAD compares: Admixed American, 0.0017%; no homozygotes.

Submission:

Labcorp Genetics (formerly Invitae), Labcorp
Classification: Uncertain significance for Sitosterolemia. Last evaluated: 2021-08-31. Review status: criteria provided, single submitter. Criteria: Invitae Variant Classification Sherloc (09022015). Collection method: clinical testing. Allele origin: germline.
Comment: This sequence change replaces alanine with threonine at codon 278 of the ABCG5 protein (p.Ala278Thr). The alanine residue is weakly conserved and there is a small physicochemical difference between alanine and threonine. This variant is not present in population databases (ExAC no frequency). This variant has not been reported in the literature in individuals affected with ABCG5-related conditions. Algorithms developed to predict the effect of missense changes on protein structure and function output the following: SIFT: "Tolerated"; PolyPhen-2: "Benign"; Align-GVGD: "Class C0". The threonine amino acid residue is found in multiple mammalian species, which suggests that this missense change does not adversely affect protein function. In summary, the available evidence is currently insufficient to determine the role of this variant in disease. Therefore, it has been classified as a Variant of Uncertain Significance.

NM_022436.3(ABCG5):c.832G>A (p.Ala278Thr)

Genes: ABCG5 (ATP binding cassette subfamily G member 5; minus strand), DYNC2LI1 (dynein cytoplasmic 2 light intermediate chain 1; plus strand). Cytogenetic location: 2p21.
Variant type: single nucleotide variant.
Coding change: c.832G>A on transcript NM_022436.3 (MANE Select); coding-DNA position 832, G replaced by A.
Protein change: p.Ala278Thr; replaces alanine 278 with threonine.
Molecular consequence: missense variant. On other transcripts: intron variant (2).
Genome position (GRCh38, 1-based): chr2:43,824,961, C>T on the plus strand (G>A on the coding strand, the complement: ABCG5 is on the minus strand). VCF-style: chr2-43824961-C-T. GRCh37 (hg19) VCF-style: chr2-44052100-C-T.
Other names: c.*16-2425C>T (NM_001348913.2, NM_001348912.2); short protein forms A278T.
Identifiers: ClinVar variation 1052847 (VCV001052847.7), dbSNP rs1479033652, ClinGen allele CA346665798.
Genomic context (GRCh38, chr2:43,824,961, plus strand): 5'-AAGGGTTTGAATGTTCAGGACAAGGGTAACCGCAGTCATTGAAGAAATCAAGCATTTCCG[C>T]TGGCGTGCCACAGAAAATCAGCTCTCCGAAGCTCAGGATGGCAATTTTGTCAAAGAGCTG-3'
Protein context (NP_071881.1, residues 268-288): FGELIFCGTP[Ala278Thr]EMLDFFNDCG